The following is an entry in ClinVar:

NM_001365536.1(SCN9A):c.1108-3T>C

Genes: SCN1A-AS1 (SCN1A and SCN9A antisense RNA 1; plus strand), SCN9A (sodium voltage-gated channel alpha subunit 9; minus strand). Cytogenetic location: 2q24.3.
Variant type: single nucleotide variant.
Coding change: c.1108-3T>C on transcript NM_001365536.1 (MANE Select); 3 bases into the intron before coding-DNA position 1108, T replaced by C.
Molecular consequence: intron variant.
Genome position (GRCh38, 1-based): chr2:166,288,646, A>G on the plus strand (T>C on the coding strand, the complement: SCN9A is on the minus strand). VCF-style: chr2-166288646-A-G. GRCh37 (hg19) VCF-style: chr2-167145156-A-G.
Other names: c.1108-3T>C (NM_002977.4).
Identifiers: ClinVar variation 3751760 (VCV003751760.2).
Genomic context (GRCh38, chr2:166,288,646, plus strand): 5'-CCAGGAAAATCACTACGACAAAGAAGATCATGTAGGTTTTGCCAGCAGCACGCAGCGTCT[A>G]GGGAAAAATGGAAATTGTCATTTGAACAATAAAAAGTTTTTTTAGTAAATTATTTCAATT-3'

ClinVar aggregate classification (germline): Uncertain significance (1 of 4 stars; one submission).

Conditions:
Neuropathy, hereditary sensory and autonomic, type 2A (HSAN2A). Also called: MORVAN DISEASE; NEUROPATHY, CONGENITAL SENSORY; NEUROPATHY, HEREDITARY SENSORY RADICULAR, AUTOSOMAL RECESSIVE; NEUROPATHY, HEREDITARY SENSORY, TYPE IIA; NEUROPATHY, PROGRESSIVE SENSORY, OF CHILDREN; ACROOSTEOLYSIS, GIACCAI TYPE. Identifiers: Orphanet 970, MedGen C2752089, MONDO:0024309, OMIM 201300.
Generalized epilepsy with febrile seizures plus, type 7 (GEFSP7). Also called: GEFS+, TYPE 7. Identifiers: Orphanet 36387, MedGen C2751778, MONDO:0013470, OMIM 613863.

Submission:

Labcorp Genetics (formerly Invitae), Labcorp
Classification: Uncertain significance for Neuropathy, hereditary sensory and autonomic, type 2A; Generalized epilepsy with febrile seizures plus, type 7. Last evaluated: 2024-06-07. Review status: criteria provided, single submitter. Criteria: Invitae Variant Classification Sherloc (09022015). Collection method: clinical testing. Allele origin: germline.
Comment: This sequence change falls in intron 9 of the SCN9A gene. It does not directly change the encoded amino acid sequence of the SCN9A protein. It affects a nucleotide within the consensus splice site. This variant is not present in population databases (gnomAD no frequency). This variant has not been reported in the literature in individuals affected with SCN9A-related conditions. Variants that disrupt the consensus splice site are a relatively common cause of aberrant splicing (PMID: 17576681, 9536098). Algorithms developed to predict the effect of sequence changes on RNA splicing suggest that this variant is not likely to affect RNA splicing. In summary, the available evidence is currently insufficient to determine the role of this variant in disease. Therefore, it has been classified as a Variant of Uncertain Significance.

Literature cited by the submitters: PubMed 17576681; PubMed 9536098.